The following is an entry in ClinVar:

ClinVar aggregate classification (germline): Uncertain significance. Review status: criteria provided, multiple submitters, no conflicts (2 of 4 stars). 3 submissions from 3 submitters: Uncertain significance (3). Last evaluated 2023-07-12.

Conditions:
Congenital myasthenic syndrome 10. Also called: Myasthenia, limb-girdle, familial. Identifiers: Orphanet 590, MedGen C1850792, MONDO:0009690, OMIM 254300.
Fetal akinesia deformation sequence 1 (FADS1). Also called: Pena-Shokeir syndrome type I; Fetal akinesia sequence. Identifiers: Orphanet 994, MedGen C1276035, MONDO:0100101, OMIM 208150, HP:0001989.
Fetal akinesia deformation sequence 3. Identifiers: MedGen C4760599, MONDO:0100103, OMIM 618389.

Allele frequency attached by ClinVar (database versions not stated): gnomAD exomes 0.00001; TOPMed 0.00001; gnomAD 0.00003.
gnomAD v4.1: 27 of 1,610,192 alleles (0.0017%); highest among the groups gnomAD compares: Middle Eastern, 0.033%; 1 homozygote.

Submissions (3):

Revvity Omics, Revvity
Classification: Uncertain significance. Last evaluated: 2023-07-12. Review status: criteria provided, single submitter. Criteria: ACMG Guidelines, 2015. Collection method: clinical testing. Allele origin: germline.

Labcorp Genetics (formerly Invitae), Labcorp
Classification: Uncertain significance for Congenital myasthenic syndrome 10; Fetal akinesia deformation sequence 1. Last evaluated: 2022-07-26. Review status: criteria provided, single submitter. Criteria: Invitae Variant Classification Sherloc (09022015). Collection method: clinical testing. Allele origin: germline.
Comment: This sequence change replaces arginine, which is basic and polar, with glycine, which is neutral and non-polar, at codon 432 of the DOK7 protein (p.Arg432Gly). This variant is present in population databases (no rsID available, gnomAD 0.003%). This variant has not been reported in the literature in individuals affected with DOK7-related conditions. ClinVar contains an entry for this variant (Variation ID: 1350530). Algorithms developed to predict the effect of missense changes on protein structure and function output the following: SIFT: "Tolerated"; PolyPhen-2: "Benign"; Align-GVGD: "Class C0". The glycine amino acid residue is found in multiple mammalian species, which suggests that this missense change does not adversely affect protein function. In summary, the available evidence is currently insufficient to determine the role of this variant in disease. Therefore, it has been classified as a Variant of Uncertain Significance.

Fulgent Genetics
Classification: Uncertain significance for Congenital myasthenic syndrome 10; Fetal akinesia deformation sequence 3. Last evaluated: 2021-07-16. Review status: criteria provided, single submitter. Criteria: ACMG Guidelines, 2015. Collection method: clinical testing. Allele origin: unknown.

NM_173660.5(DOK7):c.1294A>G (p.Arg432Gly)

Gene: DOK7 (docking protein 7; plus strand). Cytogenetic location: 4p16.3.
Variant type: single nucleotide variant.
Coding change: c.1294A>G on transcript NM_173660.5 (MANE Select); coding-DNA position 1294, A replaced by G.
Protein change: p.Arg432Gly; replaces arginine 432 with glycine.
Molecular consequence: missense variant. On other transcripts: 3 prime UTR variant (1).
Genome position (GRCh38, 1-based): chr4:3,493,280, A>G. VCF-style: chr4-3493280-A-G. GRCh37 (hg19) VCF-style: chr4-3495007-A-G.
Other names: c.*515A>G (NM_001164673.2); c.364A>G, p.Arg122Gly (NM_001256896.2); c.1294A>G, p.Arg432Gly (NM_001301071.2); c.862A>G, p.Arg288Gly (NM_001363811.2); short protein forms R288G, R122G, R432G.
Identifiers: ClinVar variation 1350530 (VCV001350530.8), dbSNP rs1390831169, ClinGen allele CA356117710.